The following is an entry in ClinVar:

ClinVar aggregate classification (germline): Likely pathogenic (1 of 4 stars; one submission).

Conditions:
Coffin-Siris syndrome 7. Identifiers: MedGen C4747954, MONDO:0054831, OMIM 618027.

Submission:

Women's Health and Genetics/Laboratory Corporation of America, LabCorp
Classification: Likely pathogenic for Coffin-Siris syndrome 7. Last evaluated: 2025-01-09. Review status: criteria provided, single submitter. Criteria: LabCorp Variant Classification Summary - May 2015. Collection method: clinical testing. Allele origin: germline.
Comment: Variant summary: DPF2 c.976G>A (p.Glu326Lys) results in a conservative amino acid change located in the Zinc finger PHD-type domain of the encoded protein sequence. Four of five in-silico tools predict a damaging effect of the variant on protein function. The frequency data for this variant in gnomAD is considered unreliable, as metrics indicate poor data quality at this position. To our knowledge, no experimental evidence demonstrating an impact on protein function has been reported. No submitters have cited clinical-significance assessments for this variant to ClinVar. Based on the evidence outlined above, the variant was classified as likely pathogenic.

NM_006268.5(DPF2):c.976G>A (p.Glu326Lys)

Gene: DPF2 (double PHD fingers 2; plus strand). Cytogenetic location: 11q13.1.
Variant type: single nucleotide variant.
Coding change: c.976G>A on transcript NM_006268.5 (MANE Select); coding-DNA position 976, G replaced by A.
Protein change: p.Glu326Lys; replaces glutamic acid 326 with lysine.
Molecular consequence: missense variant.
Genome position (GRCh38, 1-based): chr11:65,346,318, G>A. VCF-style: chr11-65346318-G-A. GRCh37 (hg19) VCF-style: chr11-65113789-G-A.
Other names: c.1018G>A, p.Glu340Lys (NM_001330308.2); short protein forms E326K, E340K.
Identifiers: ClinVar variation 3769178 (VCV003769178.2).